The following is an entry in ClinVar:

NM_152269.5(MTRFR):c.296G>A (p.Arg99Lys)

Gene: MTRFR (mitochondrial translation release factor in rescue; plus strand). Cytogenetic location: 12q24.31.
Variant type: single nucleotide variant.
Coding change: c.296G>A on transcript NM_152269.5 (MANE Select); coding-DNA position 296, G replaced by A.
Protein change: p.Arg99Lys; replaces arginine 99 with lysine.
Molecular consequence: missense variant.
Genome position (GRCh38, 1-based): chr12:123,256,826, G>A. VCF-style: chr12-123256826-G-A. GRCh37 (hg19) VCF-style: chr12-123741373-G-A.
Other names: c.296G>A, p.Arg99Lys (NM_001143905.2, NM_001194995.1); short protein forms R99K.
Identifiers: ClinVar variation 953575 (VCV000953575.9), dbSNP rs367548363, ClinGen allele CA6856576.

ClinVar aggregate classification (germline): Uncertain significance (1 of 4 stars; one submission).

Conditions:
Combined oxidative phosphorylation defect type 7. Identifiers: Orphanet 254930, MedGen C3150801, MONDO:0013306, OMIM 613559.
Spastic paraplegia. Identifiers: MedGen C0037772, HP:0001258.

Allele frequency attached by ClinVar (database versions not stated): gnomAD exomes below 0.00001; gnomAD 0.00001; TOPMed 0.00001.
gnomAD v4.1: 2 of 1,611,944 alleles (0.00012%); highest among the groups gnomAD compares: African/African-American, 0.0013%; no homozygotes.

Submission:

Labcorp Genetics (formerly Invitae), Labcorp
Classification: Uncertain significance for Combined oxidative phosphorylation defect type 7; Spastic paraplegia. Last evaluated: 2023-10-03. Review status: criteria provided, single submitter. Criteria: Invitae Variant Classification Sherloc (09022015). Collection method: clinical testing. Allele origin: germline.
Comment: This sequence change replaces arginine, which is basic and polar, with lysine, which is basic and polar, at codon 99 of the C12orf65 protein (p.Arg99Lys). This variant is present in population databases (rs367548363, gnomAD 0.0009%). This variant has not been reported in the literature in individuals affected with C12orf65-related conditions. ClinVar contains an entry for this variant (Variation ID: 953575). An algorithm developed to predict the effect of missense changes on protein structure and function (PolyPhen-2) suggests that this variant is likely to be disruptive. In summary, the available evidence is currently insufficient to determine the role of this variant in disease. Therefore, it has been classified as a Variant of Uncertain Significance.